The following is an entry in ClinVar:

ClinVar aggregate classification (germline): Uncertain significance (1 of 4 stars; one submission).

Conditions:
Fanconi anemia (FA). Also called: Fanconi's anemia. Identifiers: Orphanet 84, MedGen C0015625, MeSH D005199, MONDO:0019391.

Submission:

Labcorp Genetics (formerly Invitae), Labcorp
Classification: Uncertain significance for Fanconi anemia. Last evaluated: 2020-10-25. Review status: criteria provided, single submitter. Criteria: Invitae Variant Classification Sherloc (09022015). Collection method: clinical testing. Allele origin: germline.
Comment: This sequence change replaces cysteine with arginine at codon 1061 of the FANCD2 protein (p.Cys1061Arg). The cysteine residue is highly conserved and there is a large physicochemical difference between cysteine and arginine. This variant is not present in population databases (ExAC no frequency). This variant has not been reported in the literature in individuals with FANCD2-related conditions. Algorithms developed to predict the effect of missense changes on protein structure and function are either unavailable or do not agree on the potential impact of this missense change (SIFT: "Deleterious"; PolyPhen-2: "Probably Damaging"; Align-GVGD: "Class C0"). In summary, the available evidence is currently insufficient to determine the role of this variant in disease. Therefore, it has been classified as a Variant of Uncertain Significance.

NM_001018115.3(FANCD2):c.3181T>C (p.Cys1061Arg)

Genes: FANCD2 (FA complementation group D2; plus strand), FANCD2OS (FANCD2 opposite strand; minus strand). Cytogenetic location: 3p25.3.
Variant type: single nucleotide variant.
Coding change: c.3181T>C on transcript NM_001018115.3 (MANE Select); coding-DNA position 3181, T replaced by C.
Protein change: p.Cys1061Arg; replaces cysteine 1061 with arginine.
Molecular consequence: missense variant. On other transcripts: 3 prime UTR variant (1).
Genome position (GRCh38, 1-based): chr3:10,081,421, T>C. VCF-style: chr3-10081421-T-C. GRCh37 (hg19) VCF-style: chr3-10123105-T-C.
Other names: c.*154A>G (NM_173472.2); c.3181T>C, p.Cys1061Arg (NM_001319984.2, NM_001374254.1, NM_033084.6); c.3070T>C, p.Cys1024Arg (NM_001374253.1); short protein forms C1024R, C1061R.
Identifiers: ClinVar variation 1006149 (VCV001006149.9), dbSNP rs1693827482, ClinGen allele CA351748793.